The following is an entry in ClinVar:

NM_053025.4(MYLK):c.5441C>T (p.Thr1814Ile)

Genes: MYLK (myosin light chain kinase; minus strand), MYLK-AS1 (MYLK antisense RNA 1; plus strand). Cytogenetic location: 3q21.1.
Variant type: single nucleotide variant.
Coding change: c.5441C>T on transcript NM_053025.4 (MANE Select); coding-DNA position 5441, C replaced by T.
Protein change: p.Thr1814Ile; replaces threonine 1814 with isoleucine.
Molecular consequence: missense variant.
Genome position (GRCh38, 1-based): chr3:123,618,698, G>A on the plus strand (C>T on the coding strand, the complement: MYLK is on the minus strand). VCF-style: chr3-123618698-G-A. GRCh37 (hg19) VCF-style: chr3-123337545-G-A.
Other names: c.4913C>T, p.Thr1638Ile (NM_001321309.2); c.5234C>T, p.Thr1745Ile (NM_053026.4); c.5288C>T, p.Thr1763Ile (NM_053027.4); c.5081C>T, p.Thr1694Ile (NM_053028.4); c.158C>T, p.Thr53Ile (NM_053031.4); c.161C>T, p.Thr54Ile (NM_053032.4); short protein forms T1814I, T1638I, T1763I, T54I, T1745I, T1694I, T53I.
Identifiers: ClinVar variation 342867 (VCV000342867.25), dbSNP rs142220417, ClinGen allele CA072977.

ClinVar aggregate classification (germline): Benign/Likely benign. Review status: criteria provided, multiple submitters, no conflicts (2 of 4 stars). 6 submissions from 6 submitters: Benign (4); Likely benign (1). 1 of the submissions does not count toward it. Last evaluated 2026-01-28.

Conditions:
MYLK-related disorder. Also called: MYLK-related condition.
Familial thoracic aortic aneurysm and aortic dissection (TAAD). Also called: Thoracic aortic aneurysms and dissections. Identifiers: Orphanet 91387, MedGen C4707243, MONDO:0019625.
Aortic aneurysm, familial thoracic 7 (AAT7). Also called: AORTIC DISSECTION, FAMILIAL, WITH OR WITHOUT AORTIC ANEURYSM. Identifiers: MedGen C3151077, MONDO:0013418, OMIM 613780.

Allele frequency attached by ClinVar (database versions not stated): gnomAD exomes 0.00018 and 0.00043; ExAC 0.00055; ESP Exome Variant Server 0.00177; gnomAD 0.00190 and 0.00197; TOPMed 0.00201; 1000 Genomes Project 0.00260; 1000 Genomes Project 30x 0.00328.
gnomAD v4.1: 551 of 1,614,150 alleles (0.034%); highest among the groups gnomAD compares: African/African-American, 0.68%; 3 homozygotes.

Submissions (6):

Labcorp Genetics (formerly Invitae), Labcorp
Classification: Benign for Aortic aneurysm, familial thoracic 7. Last evaluated: 2026-01-28. Review status: criteria provided, single submitter. Criteria: Invitae Variant Classification Sherloc (09022015). Collection method: clinical testing. Allele origin: germline.

Blueprint Genetics
Classification: Likely benign. Last evaluated: 2024-10-18. Review status: criteria provided, single submitter. Criteria: ACMG Guidelines, 2015. Collection method: clinical testing. Allele origin: germline.

Women's Health and Genetics/Laboratory Corporation of America, LabCorp
Classification: Benign. Last evaluated: 2020-11-30. Review status: criteria provided, single submitter. Criteria: LabCorp Variant Classification Summary - May 2015. Collection method: clinical testing. Allele origin: germline.
Comment: Variant summary: MYLK c.5441C>T (p.Thr1814Ile) results in a non-conservative amino acid change in the encoded protein sequence. Four of five in-silico tools predict a damaging effect of the variant on protein function. The variant allele was found at a frequency of 0.00043 in 251246 control chromosomes, predominantly at a frequency of 0.006 within the African or African-American subpopulation in the gnomAD database (exomes dataset), including 2 homozygotes. The observed variant frequency within African or African-American control individuals in the gnomAD database is approximately 120 fold of the estimated maximal expected allele frequency for a pathogenic variant in MYLK causing Thoracic Aortic Aneurysms and Dissections phenotype (5e-05), strongly suggesting that the variant is a benign polymorphism found primarily in populations of African or African-American origin. To our knowledge, no occurrence of c.5441C>T in individuals affected with Thoracic Aortic Aneurysms and Dissections and no experimental evidence demonstrating its impact on protein function have been reported. Three clinical diagnostic laboratories have submitted clinical-significance assessments for this variant to ClinVar after 2014 without evidence for independent evaluation and classified the variant as VUS (1x), or benign (2x). Based on the evidence outlined above, the variant was classified as likely benign.

GeneDx
Classification: Benign. Last evaluated: 2020-03-10. Review status: criteria provided, single submitter. Criteria: GeneDx Variant Classification Process June 2021. Collection method: clinical testing. Allele origin: germline. Affected: yes.

Ambry Genetics
Classification: Benign for Familial thoracic aortic aneurysm and aortic dissection. Last evaluated: 2016-03-03. Review status: criteria provided, single submitter. Criteria: Ambry Variant Classification Scheme 2023. Collection method: clinical testing. Allele origin: germline.

PreventionGenetics, part of Exact Sciences
Classification: Likely benign for MYLK-related condition. Last evaluated: 2023-05-23. Review status: no assertion criteria provided. Collection method: clinical testing. Allele origin: germline. Not counted in ClinVar's aggregate classification.
Comment: This variant is classified as likely benign based on ACMG/AMP sequence variant interpretation guidelines (Richards et al. 2015 PMID: 25741868, with internal and published modifications).